The following is an entry in ClinVar:

NM_144599.5(NIPA1):c.403G>A (p.Val135Met)

Gene: NIPA1 (NIPA magnesium transporter 1; plus strand). Cytogenetic location: 15q11.2.
Variant type: single nucleotide variant.
Coding change: c.403G>A on transcript NM_144599.5 (MANE Select); coding-DNA position 403, G replaced by A.
Protein change: p.Val135Met; replaces valine 135 with methionine.
Molecular consequence: missense variant.
Genome position (GRCh38, 1-based): chr15:22,820,398, G>A. VCF-style: chr15-22820398-G-A. GRCh37 (hg19) VCF-style: chr15-23052670-C-T.
Other names: c.178G>A, p.Val60Met (NM_001142275.1); short protein forms V135M, V60M.
Identifiers: ClinVar variation 533363 (VCV000533363.15), dbSNP rs763295984, ClinGen allele CA7426096.
Genomic context (GRCh38, chr15:22,820,398, plus strand): 5'-AAGGAAAAGCTCAACATCTTGGGCAAGTTGGGGTGCCTGCTAAGCTGTGCAGGCTCCGTC[G>A]TGCTGATTATCCACTCCCCAAAGTCTGAGAGTGTGACAACTCAGGCTGAGCTGGAGGAAA-3'
Protein context (NP_653200.2, residues 125-145): GCLLSCAGSV[Val135Met]LIIHSPKSES

ClinVar aggregate classification (germline): Conflicting classifications of pathogenicity. Review status: criteria provided, conflicting classifications (1 of 4 stars). 3 submissions from 3 submitters: Pathogenic (1); Uncertain significance (2). Last evaluated 2024-07-11.

Conditions:
Hereditary spastic paraplegia 6 (SPG6). Also called: SPASTIC PARAPLEGIA 6, AUTOSOMAL DOMINANT. Identifiers: Orphanet 100988, MedGen C1838192, MONDO:0010878, OMIM 600363.

Allele frequency attached by ClinVar (database versions not stated): gnomAD exomes below 0.00001; ExAC 0.00001; TOPMed 0.00001.
gnomAD v4.1: 1 of 1,612,350 alleles (0.000062%); highest among the groups gnomAD compares: Non-Finnish European, 0.000085%; no homozygotes.

Submissions (3):

Blueprint Genetics
Classification: Uncertain significance. Last evaluated: 2024-07-11. Review status: criteria provided, single submitter. Criteria: ACMG Guidelines, 2015. Collection method: clinical testing. Allele origin: germline.

Labcorp Genetics (formerly Invitae), Labcorp
Classification: Uncertain significance for Hereditary spastic paraplegia 6. Last evaluated: 2023-11-27. Review status: criteria provided, single submitter. Criteria: Invitae Variant Classification Sherloc (09022015). Collection method: clinical testing. Allele origin: germline.
Comment: This sequence change replaces valine, which is neutral and non-polar, with methionine, which is neutral and non-polar, at codon 135 of the NIPA1 protein (p.Val135Met). This variant is present in population databases (rs763295984, gnomAD 0.0009%). This variant has not been reported in the literature in individuals affected with NIPA1-related conditions. ClinVar contains an entry for this variant (Variation ID: 533363). An algorithm developed to predict the effect of missense changes on protein structure and function (PolyPhen-2) suggests that this variant is likely to be tolerated. In summary, the available evidence is currently insufficient to determine the role of this variant in disease. Therefore, it has been classified as a Variant of Uncertain Significance.

Paris Brain Institute, Inserm - ICM
Classification: Pathogenic for Hereditary spastic paraplegia 6. Review status: criteria provided, single submitter. Criteria: ACMG Guidelines, 2015. Collection method: clinical testing. Allele origin: unknown. Affected: yes. Observed: 1 variant allele.